The following is an entry in ClinVar:

ClinVar aggregate classification (germline): Uncertain significance (1 of 4 stars; one submission).

Conditions:
Spondyloepiphyseal dysplasia, Stanescu type. Also called: SED, STANESCU TYPE; SPONDYLOEPIMETAPHYSEAL DYSPLASIA, STANESCU TYPE. Identifiers: Orphanet 459051, MedGen C4225273, MONDO:0014701, OMIM 616583.
Vitreoretinopathy with phalangeal epiphyseal dysplasia (VPED). Identifiers: MedGen C1852989, MONDO:0031001, OMIM 619248.
Stickler syndrome, type I, nonsyndromic ocular. Also called: STICKLER SYNDROME, TYPE I, PREDOMINANTLY OCULAR; STICKLER SYNDROME, ATYPICAL. Identifiers: MedGen C1836080, MONDO:0012287, OMIM 609508.
Spondyloepiphyseal dysplasia congenita (SEDC). Also called: SED CONGENITA; SPONDYLOEPIPHYSEAL DYSPLASIA, CONGENITAL TYPE. Identifiers: Orphanet 94068, MedGen C2745959, MONDO:0008471, OMIM 183900.
Multiple epiphyseal dysplasia, Beighton type. Identifiers: Orphanet 166011, MedGen C1851536, MONDO:0007562, OMIM 132450.
Spondyloepiphyseal dysplasia with metatarsal shortening. Also called: CZECH DYSPLASIA, METATARSAL TYPE; SPONDYLOEPIPHYSEAL DYSPLASIA WITH PRECOCIOUS OSTEOARTHRITIS; Pseudorheumatoid dysplasia progressive, with hypoplastic toes. Identifiers: Orphanet 137678, MedGen C1836683, MONDO:0012206, OMIM 609162.
Platyspondylic dysplasia, Torrance type (PLSDT). Identifiers: Orphanet 85166, MedGen C1835437, MONDO:0007895, OMIM 151210.
Spondyloperipheral dysplasia. Also called: SPONDYLOPERIPHERAL DYSPLASIA WITH SHORT ULNA; Spondyloperipheral dysplasia-short ulna syndrome. Identifiers: Orphanet 1856, MedGen C0796173, MONDO:0010078, OMIM 271700.
Stickler syndrome type 1 (STL1). Also called: ARTHROOPHTHALMOPATHY, HEREDITARY PROGRESSIVE; STICKLER SYNDROME, MEMBRANOUS VITREOUS TYPE; STICKLER SYNDROME, VITREOUS TYPE 1; COL2A1-Related Stickler Syndrome. Identifiers: Orphanet 828, Orphanet 90653, MedGen C2020284, MONDO:0007160, OMIM 108300.
Namaqualand hip dysplasia (OSCDP). Also called: Mild spondyloepiphyseal dysplasia due to COL2A1 mutation with early-onset osteoarthritis. Identifiers: Orphanet 93279, MedGen C0432214, MONDO:0011496, OMIM 604864.
Avascular necrosis of femoral head, primary, 1 (ANFH1). Also called: Avascular necrosis of femoral head, primary. Identifiers: Orphanet 86820, MedGen C4551562, MONDO:0054550, OMIM 608805.
Spondyloepimetaphyseal dysplasia, Strudwick type (SEMDSTWK). Also called: DAPPLED METAPHYSIS SYNDROME; STRUDWICK SYNDROME. Identifiers: Orphanet 93346, MedGen C0700635, MONDO:0008476, OMIM 184250.
Kniest dysplasia. Identifiers: Orphanet 485, MedGen C0265279, MONDO:0007987, OMIM 156550.
Legg-Calve-Perthes disease. Also called: Osteochondritis deformans; Coxa plana; PERTHES DISEASE; Avascular necrosis of the capital femoral epiphysis. Identifiers: Orphanet 2380, MedGen C1442965, MONDO:0007885, OMIM 150600, HP:0005743.
Achondrogenesis type II (ACG2). Also called: ACHONDROGENESIS, LANGER-SALDINO TYPE; CHONDROGENESIS IMPERFECTA. Identifiers: Orphanet 932, Orphanet 93296, MedGen C0220685, MONDO:0008702, OMIM 200610.

Submission:

Juno Genomics, Hangzhou Juno Genomics, Inc
Classification: Uncertain significance for Multiple epiphyseal dysplasia, Beighton type; Vitreoretinopathy with phalangeal epiphyseal dysplasia; Achondrogenesis type II; Avascular necrosis of femoral head, primary, 1; Spondyloepiphyseal dysplasia with metatarsal shortening; Kniest dysplasia; Legg-Calve-Perthes disease; Namaqualand hip dysplasia; Platyspondylic dysplasia, Torrance type; Spondyloepiphyseal dysplasia congenita; Spondyloepimetaphyseal dysplasia, Strudwick type; Spondyloepiphyseal dysplasia, Stanescu type; Spondyloperipheral dysplasia; Stickler syndrome type 1; Stickler syndrome, type I, nonsyndromic ocular. Review status: criteria provided, single submitter. Criteria: ACMG Guidelines, 2015. Collection method: clinical testing. Allele origin: germline.
Comment: Absent from controls (or at extremely low frequency if recessive) in Genome Aggregation Database.;Missense variant in a gene that has a low rate of benign missense variation.;Multiple lines of computational evidence support a deleterious effect on the gene or gene product.

NM_001844.5(COL2A1):c.1796C>A (p.Pro599His)

Gene: COL2A1 (collagen type II alpha 1 chain; minus strand). Cytogenetic location: 12q13.11.
Variant type: single nucleotide variant.
Coding change: c.1796C>A on transcript NM_001844.5 (MANE Select); coding-DNA position 1796, C replaced by A.
Protein change: p.Pro599His; replaces proline 599 with histidine.
Molecular consequence: missense variant.
Genome position (GRCh38, 1-based): chr12:47,985,032, G>T on the plus strand (C>A on the coding strand, the complement: COL2A1 is on the minus strand). VCF-style: chr12-47985032-G-T. GRCh37 (hg19) VCF-style: chr12-48378815-G-T.
Other names: c.1589C>A, p.Pro530His (NM_033150.3); short protein forms P530H, P599H.
Identifiers: ClinVar variation 5005106 (VCV005005106.2).